The following is an entry in ClinVar:

ClinVar aggregate classification (germline): Uncertain significance (1 of 4 stars; one submission).

Submission:

Labcorp Genetics (formerly Invitae), Labcorp
Classification: Uncertain significance. Last evaluated: 2024-02-24. Review status: criteria provided, single submitter. Criteria: Invitae Variant Classification Sherloc (09022015). Collection method: clinical testing. Allele origin: germline.
Comment: This sequence change replaces glutamine, which is neutral and polar, with arginine, which is basic and polar, at codon 163 of the PRPF4 protein (p.Gln163Arg). This variant is not present in population databases (gnomAD no frequency). This variant has not been reported in the literature in individuals affected with PRPF4-related conditions. ClinVar contains an entry for this variant (Variation ID: 1371087). An algorithm developed to predict the effect of missense changes on protein structure and function (PolyPhen-2) suggests that this variant is likely to be tolerated. In summary, the available evidence is currently insufficient to determine the role of this variant in disease. Therefore, it has been classified as a Variant of Uncertain Significance.

NM_001244926.2(PRPF4):c.485A>G (p.Gln162Arg)

Gene: PRPF4 (pre-mRNA splicing tri-snRNP complex factor PRPF4; plus strand). Cytogenetic location: 9q32.
Variant type: single nucleotide variant.
Coding change: c.485A>G on transcript NM_001244926.2 (MANE Select); coding-DNA position 485, A replaced by G.
Protein change: p.Gln162Arg; replaces glutamine 162 with arginine.
Molecular consequence: missense variant. On other transcripts: 5 prime UTR variant (2), non-coding transcript variant (2).
Genome position (GRCh38, 1-based): chr9:113,283,136, A>G. VCF-style: chr9-113283136-A-G. GRCh37 (hg19) VCF-style: chr9-116045416-A-G.
Other names: c.-281A>G (NM_001322266.2, NM_001322267.2); c.488A>G, p.Gln163Arg (NM_004697.5); short protein forms Q162R, Q163R.
Identifiers: ClinVar variation 1371087 (VCV001371087.6), dbSNP rs2118613042, ClinGen allele CA374552912.
Genomic context (GRCh38, chr9:113,283,136, plus strand): 5'-ATAAGAGGAGTAGAATGCTTCAGATTTGACCTTTCTGCTCTTAATTTGCCTTTCAGTATC[A>G]GCAAACCTGGTATCATGAAGGACCAAATAGCTTGAAGGTGGCAAGACTATGGATTGCTAA-3'
Protein context (NP_001231855.1, residues 152-172): EKSKKSKEEY[Gln162Arg]QTWYHEGPNS